The following is an entry in ClinVar:

NM_020702.5(MYORG):c.1288G>A (p.Gly430Ser)

Gene: MYORG (myogenesis regulating glycosidase; minus strand). Cytogenetic location: 9p13.3.
Variant type: single nucleotide variant.
Coding change: c.1288G>A on transcript NM_020702.5 (MANE Select); coding-DNA position 1288, G replaced by A.
Protein change: p.Gly430Ser; replaces glycine 430 with serine.
Molecular consequence: missense variant.
Genome position (GRCh38, 1-based): chr9:34,371,656, C>T on the plus strand (G>A on the coding strand, the complement: MYORG is on the minus strand). VCF-style: chr9-34371656-C-T. GRCh37 (hg19) VCF-style: chr9-34371654-C-T.
Other names: short protein forms G430S.
Identifiers: ClinVar variation 3701388 (VCV003701388.2).

ClinVar aggregate classification (germline): Uncertain significance (1 of 4 stars; one submission).

gnomAD v4.1: 2 of 1,606,446 alleles (0.00012%); highest among the groups gnomAD compares: South Asian, 0.0022%; no homozygotes.

Submission:

Labcorp Genetics (formerly Invitae), Labcorp
Classification: Uncertain significance. Last evaluated: 2024-11-04. Review status: criteria provided, single submitter. Criteria: Invitae Variant Classification Sherloc (09022015). Collection method: clinical testing. Allele origin: germline.
Comment: This sequence change replaces glycine, which is neutral and non-polar, with serine, which is neutral and polar, at codon 430 of the KIAA1161 protein (p.Gly430Ser). This variant is not present in population databases (gnomAD no frequency). This variant has not been reported in the literature in individuals affected with KIAA1161-related conditions. Invitae Evidence Modeling of protein sequence and biophysical properties (such as structural, functional, and spatial information, amino acid conservation, physicochemical variation, residue mobility, and thermodynamic stability) indicates that this missense variant is not expected to disrupt KIAA1161 protein function with a negative predictive value of 80%. In summary, the available evidence is currently insufficient to determine the role of this variant in disease. Therefore, it has been classified as a Variant of Uncertain Significance.